The following is an entry in ClinVar:

ClinVar aggregate classification (germline): Uncertain significance (1 of 4 stars; one submission).

Submission:

Labcorp Genetics (formerly Invitae), Labcorp
Classification: Uncertain significance. Last evaluated: 2023-07-17. Review status: criteria provided, single submitter. Criteria: Invitae Variant Classification Sherloc (09022015). Collection method: clinical testing. Allele origin: germline.
Comment: This variant is not present in population databases (gnomAD no frequency). This sequence change replaces glutamine, which is neutral and polar, with arginine, which is basic and polar, at codon 263 of the FERMT1 protein (p.Gln263Arg). This variant has not been reported in the literature in individuals affected with FERMT1-related conditions. ClinVar contains an entry for this variant (Variation ID: 2112281). Advanced modeling of protein sequence and biophysical properties (such as structural, functional, and spatial information, amino acid conservation, physicochemical variation, residue mobility, and thermodynamic stability) performed at Invitae indicates that this missense variant is not expected to disrupt FERMT1 protein function. In summary, the available evidence is currently insufficient to determine the role of this variant in disease. Therefore, it has been classified as a Variant of Uncertain Significance.

NM_017671.5(FERMT1):c.788A>G (p.Gln263Arg)

Gene: FERMT1 (FERM domain containing kindlin 1; minus strand). Cytogenetic location: 20p12.3.
Variant type: single nucleotide variant.
Coding change: c.788A>G on transcript NM_017671.5 (MANE Select); coding-DNA position 788, A replaced by G.
Protein change: p.Gln263Arg; replaces glutamine 263 with arginine.
Molecular consequence: missense variant.
Genome position (GRCh38, 1-based): chr20:6,107,593, T>C on the plus strand (A>G on the coding strand, the complement: FERMT1 is on the minus strand). VCF-style: chr20-6107593-T-C. GRCh37 (hg19) VCF-style: chr20-6088240-T-C.
Other names: short protein forms Q263R.
Identifiers: ClinVar variation 2112281 (VCV002112281.2), dbSNP rs2514714338, ClinGen allele CA408186783.